The following is an entry in ClinVar:

NM_021729.6(VPS11):c.2374C>T (p.Arg792Trp)

Gene: VPS11 (VPS11 core subunit of CORVET and HOPS complexes; plus strand). Cytogenetic location: 11q23.3.
Variant type: single nucleotide variant.
Coding change: c.2374C>T on transcript NM_021729.6 (MANE Select); coding-DNA position 2374, C replaced by T.
Protein change: p.Arg792Trp; replaces arginine 792 with tryptophan.
Molecular consequence: missense variant. On other transcripts: non-coding transcript variant (8).
Genome position (GRCh38, 1-based): chr11:119,079,236, C>T. VCF-style: chr11-119079236-C-T. GRCh37 (hg19) VCF-style: chr11-118949946-C-T.
Other names: c.2344C>T, p.Arg782Trp (NM_001290185.2); c.2386C>T, p.Arg796Trp (NM_001378218.1, NM_001378219.1); c.2359C>T, p.Arg787Trp (NM_001378220.1); c.2356C>T, p.Arg786Trp (NM_001378221.1); short protein forms R782W, R786W, R792W, R796W, R787W.
Identifiers: ClinVar variation 1910394 (VCV001910394.2), dbSNP rs368011627, ClinGen allele CA6313690.

ClinVar aggregate classification (germline): Uncertain significance (1 of 4 stars; one submission).

Allele frequency attached by ClinVar (database versions not stated): gnomAD 0.00001; ESP Exome Variant Server 0.00008.
gnomAD v4.1: 23 of 1,609,918 alleles (0.0014%); highest among the groups gnomAD compares: African/African-American, 0.0027%; no homozygotes.

Submission:

Labcorp Genetics (formerly Invitae), Labcorp
Classification: Uncertain significance. Last evaluated: 2022-04-22. Review status: criteria provided, single submitter. Criteria: Invitae Variant Classification Sherloc (09022015). Collection method: clinical testing. Allele origin: germline.
Comment: This sequence change replaces arginine, which is basic and polar, with tryptophan, which is neutral and slightly polar, at codon 792 of the VPS11 protein (p.Arg792Trp). This variant is present in population databases (rs368011627, gnomAD 0.007%). This variant has not been reported in the literature in individuals affected with VPS11-related conditions. Experimental studies and prediction algorithms are not available or were not evaluated, and the effect of this variant on mRNA splicing is currently unknown. In summary, the available evidence is currently insufficient to determine the role of this variant in disease. Therefore, it has been classified as a Variant of Uncertain Significance.